The following is an entry in ClinVar:

ClinVar aggregate classification (germline): Uncertain significance (1 of 4 stars; one submission).

Conditions:
Dyskeratosis congenita, autosomal dominant 6 (DKCA6). Identifiers: Orphanet 3322, MedGen C4225284, MONDO:0014690, OMIM 616553.

Submission:

Labcorp Genetics (formerly Invitae), Labcorp
Classification: Uncertain significance for Dyskeratosis congenita, autosomal dominant 6. Last evaluated: 2025-01-02. Review status: criteria provided, single submitter. Criteria: Invitae Variant Classification Sherloc (09022015). Collection method: clinical testing. Allele origin: germline.
Comment: This sequence change affects a donor splice site in intron 3 of the ACD gene. It is expected to disrupt RNA splicing. Variants that disrupt the donor or acceptor splice site typically lead to a loss of protein function (PMID: 16199547), however the current clinical and genetic evidence is not sufficient to establish whether loss-of-function variants in ACD cause disease. This variant is not present in population databases (gnomAD no frequency). This variant has not been reported in the literature in individuals affected with ACD-related conditions. Algorithms developed to predict the effect of sequence changes on RNA splicing suggest that this variant may disrupt the consensus splice site. In summary, the available evidence is currently insufficient to determine the role of this variant in disease. Therefore, it has been classified as a Variant of Uncertain Significance.

Literature cited by the submitters: PubMed 16199547.

NM_001082486.2(ACD):c.336+1G>A

Gene: ACD (ACD shelterin complex subunit and telomerase recruitment factor; minus strand). Cytogenetic location: 16q22.1.
Variant type: single nucleotide variant.
Coding change: c.336+1G>A on transcript NM_001082486.2 (MANE Select); the canonical splice donor site of the intron after coding-DNA position 336, G replaced by A.
Molecular consequence: splice donor variant.
Genome position (GRCh38, 1-based): chr16:67,659,701, C>T on the plus strand (G>A on the coding strand, the complement: ACD is on the minus strand). VCF-style: chr16-67659701-C-T. GRCh37 (hg19) VCF-style: chr16-67693604-C-T.
Other names: c.327+1G>A (NM_022914.3); c.336+1G>A (NM_001410884.1).
Identifiers: ClinVar variation 3728462 (VCV003728462.2).